The following is an entry in ClinVar:

NM_014317.5(PDSS1):c.1184G>A (p.Arg395Gln)

Gene: PDSS1 (decaprenyl diphosphate synthase subunit 1; plus strand). Cytogenetic location: 10p12.1.
Variant type: single nucleotide variant.
Coding change: c.1184G>A on transcript NM_014317.5 (MANE Select); coding-DNA position 1184, G replaced by A.
Protein change: p.Arg395Gln; replaces arginine 395 with glutamine.
Molecular consequence: missense variant. On other transcripts: 3 prime UTR variant (1).
Genome position (GRCh38, 1-based): chr10:26,746,409, G>A. VCF-style: chr10-26746409-G-A. GRCh37 (hg19) VCF-style: chr10-27035338-G-A.
Other names: c.*72G>A (NM_001321978.2); c.674G>A, p.Arg225Gln (NM_001321979.2); short protein forms R225Q, R395Q.
Identifiers: ClinVar variation 1928340 (VCV001928340.2), dbSNP rs1307231625, ClinGen allele CA376352387.

ClinVar aggregate classification (germline): Uncertain significance (1 of 4 stars; one submission).

Allele frequency attached by ClinVar (database versions not stated): gnomAD 0.00001; gnomAD exomes 0.00001; TOPMed 0.00001.
gnomAD v4.1: 11 of 1,613,874 alleles (0.00068%); highest among the groups gnomAD compares: African/African-American, 0.0013%; no homozygotes.

Submission:

Labcorp Genetics (formerly Invitae), Labcorp
Classification: Uncertain significance. Last evaluated: 2022-09-29. Review status: criteria provided, single submitter. Criteria: Invitae Variant Classification Sherloc (09022015). Collection method: clinical testing. Allele origin: germline.
Comment: This sequence change replaces arginine, which is basic and polar, with glutamine, which is neutral and polar, at codon 395 of the PDSS1 protein (p.Arg395Gln). This variant is present in population databases (no rsID available, gnomAD 0.01%). This variant has not been reported in the literature in individuals affected with PDSS1-related conditions. Advanced modeling of protein sequence and biophysical properties (such as structural, functional, and spatial information, amino acid conservation, physicochemical variation, residue mobility, and thermodynamic stability) performed at Invitae indicates that this missense variant is not expected to disrupt PDSS1 protein function. In summary, the available evidence is currently insufficient to determine the role of this variant in disease. Therefore, it has been classified as a Variant of Uncertain Significance.